The following is an entry in ClinVar:

NC_000016.9:g.(?_148123)_(163851_?)dup

Gene: NPRL3 (NPR3 like, GATOR1 complex subunit; minus strand). Cytogenetic location: 16p13.3.
Variant type: Duplication.
Identifiers: ClinVar variation 3243558 (VCV003243558.1).

ClinVar aggregate classification (germline): Uncertain significance (1 of 4 stars; one submission).

Conditions:
Epilepsy, familial focal, with variable foci 3 (FFEVF3). Identifiers: MedGen C4310708, MONDO:0014925, OMIM 617118.

Submission:

Labcorp Genetics (formerly Invitae), Labcorp
Classification: Uncertain significance for Epilepsy, familial focal, with variable foci 3. Last evaluated: 2022-03-23. Review status: criteria provided, single submitter. Criteria: Invitae Variant Classification Sherloc (09022015). Collection method: clinical testing. Allele origin: unknown.
Comment: In summary, the available evidence is currently insufficient to determine the role of this variant in disease. Therefore, it has been classified as a Variant of Uncertain Significance. This variant has not been reported in the literature in individuals affected with NPRL3-related conditions. This variant results in a copy number gain of the genomic region encompassing exon(s) 6-9 of the NPRL3 gene. While the exact position of this variant cannot be determined from the data, sub-genic copy number gains are generally in tandem (PMID: 25640679). This variant is predicted to be in-frame, and likely preserves the integrity of the reading frame.

Literature cited by the submitters: PubMed 25640679.